The following is an entry in ClinVar:

NM_001128178.3(NPHP1):c.44G>T (p.Arg15Leu)

Gene: NPHP1 (nephrocystin 1; minus strand). Cytogenetic location: 2q13.
Variant type: single nucleotide variant.
Coding change: c.44G>T on transcript NM_001128178.3 (MANE Select); coding-DNA position 44, G replaced by T.
Protein change: p.Arg15Leu; replaces arginine 15 with leucine.
Molecular consequence: missense variant.
Genome position (GRCh38, 1-based): chr2:110,204,925, C>A on the plus strand (G>T on the coding strand, the complement: NPHP1 is on the minus strand). VCF-style: chr2-110204925-C-A. GRCh37 (hg19) VCF-style: chr2-110962502-C-A.
Other names: c.44G>T, p.Arg15Leu (NM_000272.5, NM_001128179.3, NM_001374256.1 and 2 more transcripts); short protein forms R15L.
Identifiers: ClinVar variation 860532 (VCV000860532.10), dbSNP rs774386187, ClinGen allele CA1827541.
Genomic context (GRCh38, chr2:110,204,925, plus strand): 5'-CCCGCCCCAGGGCCCTCTGCACAGCCTGACCATACCTGTTGCTTCAGCTCCTGATTGCGG[C>A]GCCGCAGGGCCTGGAGAGGATCTCGCTGTCGTCTCGCCAGCATCTCCCTGGCTGCGGTGC-3'
Protein context (NP_001121650.1, residues 5-25): RQRDPLQALR[Arg15Leu]RNQELKQQVD

ClinVar aggregate classification (germline): Uncertain significance. Review status: criteria provided, multiple submitters, no conflicts (2 of 4 stars). 3 submissions from 3 submitters: Uncertain significance (2). 1 of the submissions does not count toward it. Last evaluated 2024-05-23.

Conditions:
Nephronophthisis. Also called: Juvenile Nephronophthisis. Identifiers: Orphanet 655, MedGen C0687120, MONDO:0019005, HP:0000090.
NPHP1-related disorder. Also called: NPHP1-related disorders; NPHP1-related condition.
Nephronophthisis 1 (NPHP1). Also called: Nephronophthisis familial juvenile. Identifiers: Orphanet 655, Orphanet 93592, MedGen C1855681, MONDO:0009728, OMIM 256100.
Senior-Loken syndrome 1 (SLSN1). Also called: JUVENILE NEPHRONOPHTHISIS WITH LEBER AMAUROSIS. Identifiers: Orphanet 3156, MedGen C4551559, MONDO:0009962, OMIM 266900.
Joubert syndrome with renal defect. Also called: JOUBERT SYNDROME 4. Identifiers: Orphanet 220497, MedGen C1846790, MONDO:0012308, OMIM 609583.

Allele frequency attached by ClinVar (database versions not stated): TOPMed 0.00001.

Submissions (3):

Fulgent Genetics
Classification: Uncertain significance for Nephronophthisis 1; Senior-Loken syndrome 1; Joubert syndrome with renal defect. Last evaluated: 2024-05-23. Review status: criteria provided, single submitter. Criteria: ACMG Guidelines, 2015. Collection method: clinical testing. Allele origin: germline.

Labcorp Genetics (formerly Invitae), Labcorp
Classification: Uncertain significance for Nephronophthisis. Last evaluated: 2022-08-16. Review status: criteria provided, single submitter. Criteria: Invitae Variant Classification Sherloc (09022015). Collection method: clinical testing. Allele origin: germline.
Comment: This sequence change replaces arginine, which is basic and polar, with leucine, which is neutral and non-polar, at codon 15 of the NPHP1 protein (p.Arg15Leu). This variant is present in population databases (rs774386187, gnomAD 0.004%). This variant has not been reported in the literature in individuals affected with NPHP1-related conditions. ClinVar contains an entry for this variant (Variation ID: 860532). Algorithms developed to predict the effect of missense changes on protein structure and function are either unavailable or do not agree on the potential impact of this missense change (SIFT: "Deleterious"; PolyPhen-2: "Probably Damaging"; Align-GVGD: "Class C0"). In summary, the available evidence is currently insufficient to determine the role of this variant in disease. Therefore, it has been classified as a Variant of Uncertain Significance.

PreventionGenetics, part of Exact Sciences
Classification: Uncertain significance for NPHP1-related condition. Last evaluated: 2024-07-30. Review status: no assertion criteria provided. Collection method: clinical testing. Allele origin: germline. Not counted in ClinVar's aggregate classification.
Comment: The NPHP1 c.44G>T variant is predicted to result in the amino acid substitution p.Arg15Leu. To our knowledge, this variant has not been reported in the literature. This variant is reported in 0.0035% of alleles in individuals of European (Non-Finnish) descent in gnomAD. At this time, the clinical significance of this variant is uncertain due to the absence of conclusive functional and genetic evidence.